The following is an entry in ClinVar:

NM_014845.6(FIG4):c.1978A>T (p.Ile660Leu)

Gene: FIG4 (FIG4 phosphoinositide 5-phosphatase; plus strand). Cytogenetic location: 6q21.
Variant type: single nucleotide variant.
Coding change: c.1978A>T on transcript NM_014845.6 (MANE Select); coding-DNA position 1978, A replaced by T.
Protein change: p.Ile660Leu; replaces isoleucine 660 with leucine.
Molecular consequence: missense variant.
Genome position (GRCh38, 1-based): chr6:109,786,331, A>T. VCF-style: chr6-109786331-A-T. GRCh37 (hg19) VCF-style: chr6-110107534-A-T.
Other names: short protein forms I660L.
Identifiers: ClinVar variation 999150 (VCV000999150.8), dbSNP rs1777954967, ClinGen allele CA365231752.

ClinVar aggregate classification (germline): Uncertain significance (1 of 4 stars; one submission).

Conditions:
Charcot-Marie-Tooth disease type 4. Also called: Charcot-Marie-Tooth disease, type IV; Charcot-Marie-Tooth, Type 4. Identifiers: Orphanet 64749, MedGen C4082197, MONDO:0018995.

Allele frequency attached by ClinVar (database versions not stated): gnomAD exomes below 0.00001.
gnomAD v4.1: 3 of 1,613,428 alleles (0.00019%); highest among the groups gnomAD compares: South Asian, 0.0011%; no homozygotes.

Submission:

Labcorp Genetics (formerly Invitae), Labcorp
Classification: Uncertain significance for Charcot-Marie-Tooth disease type 4. Last evaluated: 2022-08-09. Review status: criteria provided, single submitter. Criteria: Invitae Variant Classification Sherloc (09022015). Collection method: clinical testing. Allele origin: germline.
Comment: In summary, the available evidence is currently insufficient to determine the role of this variant in disease. Therefore, it has been classified as a Variant of Uncertain Significance. Algorithms developed to predict the effect of missense changes on protein structure and function (SIFT, PolyPhen-2, Align-GVGD) all suggest that this variant is likely to be tolerated. ClinVar contains an entry for this variant (Variation ID: 999150). This variant has not been reported in the literature in individuals affected with FIG4-related conditions. This variant is not present in population databases (gnomAD no frequency). This sequence change replaces isoleucine, which is neutral and non-polar, with leucine, which is neutral and non-polar, at codon 660 of the FIG4 protein (p.Ile660Leu).